The following is an entry in ClinVar:

ClinVar aggregate classification (germline): Uncertain significance (1 of 4 stars; one submission).

Conditions:
Cardiovascular phenotype. Identifiers: MedGen CN230736.
Hereditary cancer-predisposing syndrome. Also called: Tumor predisposition; Neoplastic Syndromes, Hereditary; Hereditary Cancer Syndrome; Hereditary neoplastic syndrome. Identifiers: Orphanet 140162, MedGen C0027672, MeSH D009386, MONDO:0015356.

Submission:

Ambry Genetics
Classification: Uncertain significance for Cardiovascular phenotype; Hereditary cancer-predisposing syndrome. Last evaluated: 2025-02-04. Review status: criteria provided, single submitter. Criteria: Ambry Variant Classification Scheme 2023. Collection method: clinical testing. Allele origin: germline.
Comment: The c.2407-3C>T intronic variant results from a C to T substitution 3 nucleotides upstream from coding exon 21 in the LZTR1 gene. This nucleotide position is not well conserved in available vertebrate species. In silico splice site analysis predicts that this alteration will not have any significant effect on splicing. Based on the available evidence, the clinical significance of this variant remains unclear.

NM_006767.4(LZTR1):c.2407-3C>T

Gene: LZTR1 (leucine zipper like post translational regulator 1; plus strand). Cytogenetic location: 22q11.21.
Variant type: single nucleotide variant.
Coding change: c.2407-3C>T on transcript NM_006767.4 (MANE Select); 3 bases into the intron before coding-DNA position 2407, C replaced by T.
Molecular consequence: intron variant.
Genome position (GRCh38, 1-based): chr22:20,997,229, C>T. VCF-style: chr22-20997229-C-T. GRCh37 (hg19) VCF-style: chr22-21351518-C-T.
Identifiers: ClinVar variation 3869296 (VCV003869296.1).